The following is an entry in ClinVar:

ClinVar aggregate classification (germline): Uncertain significance (1 of 4 stars; one submission).

Conditions:
Cardiovascular phenotype. Identifiers: MedGen CN230736.

Allele frequency attached by ClinVar (database versions not stated): TOPMed below 0.00001; gnomAD exomes 0.00002.
gnomAD v4.1: 23 of 1,585,258 alleles (0.0015%); highest among the groups gnomAD compares: East Asian, 0.0068%; no homozygotes.

Submission:

Ambry Genetics
Classification: Uncertain significance for Cardiovascular phenotype. Last evaluated: 2023-06-18. Review status: criteria provided, single submitter. Criteria: Ambry Variant Classification Scheme 2023. Collection method: clinical testing. Allele origin: germline.
Comment: The p.R145H variant (also known as c.434G>A), located in coding exon 4 of the ABCG5 gene, results from a G to A substitution at nucleotide position 434. The arginine at codon 145 is replaced by histidine, an amino acid with highly similar properties. This amino acid position is conserved. In addition, the in silico prediction for this alteration is inconclusive. Since supporting evidence is limited at this time, the clinical significance of this alteration remains unclear.

NM_022436.3(ABCG5):c.434G>A (p.Arg145His)

Gene: ABCG5 (ATP binding cassette subfamily G member 5; minus strand). Cytogenetic location: 2p21.
Variant type: single nucleotide variant.
Coding change: c.434G>A on transcript NM_022436.3 (MANE Select); coding-DNA position 434, G replaced by A.
Protein change: p.Arg145His; replaces arginine 145 with histidine.
Molecular consequence: missense variant.
Genome position (GRCh38, 1-based): chr2:43,831,836, C>T on the plus strand (G>A on the coding strand, the complement: ABCG5 is on the minus strand). VCF-style: chr2-43831836-C-T. GRCh37 (hg19) VCF-style: chr2-44058975-C-T.
Other names: short protein forms R145H.
Identifiers: ClinVar variation 2625951 (VCV002625951.2), dbSNP rs1667964046, ClinGen allele CA346667759.